The following is an entry in ClinVar:

NM_000719.7(CACNA1C):c.4958C>T (p.Ala1653Val)

Genes: CACNA1C (calcium voltage-gated channel subunit alpha1 C; plus strand), CACNA1C-AS1 (CACNA1C antisense RNA 1; minus strand). Cytogenetic location: 12p13.33.
Variant type: single nucleotide variant.
Coding change: c.4958C>T on transcript NM_000719.7 (MANE Select); coding-DNA position 4958, C replaced by T.
Protein change: p.Ala1653Val; replaces alanine 1653 with valine.
Molecular consequence: missense variant. On other transcripts: non-coding transcript variant (1).
Genome position (GRCh38, 1-based): chr12:2,677,734, C>T. VCF-style: chr12-2677734-C-T. GRCh37 (hg19) VCF-style: chr12-2786900-C-T.
Other names: c.4958C>T, p.Ala1653Val (NM_001129830.3, NM_001129840.2, NM_001129841.2 and 4 more transcripts); c.5042C>T, p.Ala1681Val (NM_001129831.2); c.5018C>T, p.Ala1673Val (NM_001129832.2); c.5015C>T, p.Ala1672Val (NM_001129833.2, NM_001129834.2, NM_001129835.2); c.5009C>T, p.Ala1670Val (NM_001129836.2); c.4982C>T, p.Ala1661Val (NM_001129837.2, NM_001129838.2); c.4976C>T, p.Ala1659Val (NM_001129839.2); c.4949C>T, p.Ala1650Val (NM_001129844.2); and 3 more; short protein forms A1653V, A1659V, A1694V, A1642V, A1701V, A1650V, A1661V, A1672V.
Identifiers: ClinVar variation 2704660 (VCV002704660.3), dbSNP rs2532138391, ClinGen allele CA383378186.

ClinVar aggregate classification (germline): Uncertain significance (1 of 4 stars; one submission).

Conditions:
Long QT syndrome (LQTS). Identifiers: MedGen C0023976, MeSH D008133, MONDO:0002442. Disease mechanism: loss of function. Inheritance: Various modes of inheritance.

Submission:

Labcorp Genetics (formerly Invitae), Labcorp
Classification: Uncertain significance for Long QT syndrome. Last evaluated: 2023-12-21. Review status: criteria provided, single submitter. Criteria: Invitae Variant Classification Sherloc (09022015). Collection method: clinical testing. Allele origin: germline.
Comment: This sequence change replaces alanine, which is neutral and non-polar, with valine, which is neutral and non-polar, at codon 1653 of the CACNA1C protein (p.Ala1653Val). This variant is not present in population databases (gnomAD no frequency). This variant has not been reported in the literature in individuals affected with CACNA1C-related conditions. An algorithm developed to predict the effect of missense changes on protein structure and function (PolyPhen-2) suggests that this variant is likely to be disruptive. In summary, the available evidence is currently insufficient to determine the role of this variant in disease. Therefore, it has been classified as a Variant of Uncertain Significance.